The following is an entry in ClinVar:

NM_006424.3(SLC34A2):c.2020G>C (p.Ala674Pro)

Gene: SLC34A2 (solute carrier family 34 member 2; plus strand). Cytogenetic location: 4p15.2.
Variant type: single nucleotide variant.
Coding change: c.2020G>C on transcript NM_006424.3 (MANE Select); coding-DNA position 2020, G replaced by C.
Protein change: p.Ala674Pro; replaces alanine 674 with proline.
Molecular consequence: missense variant.
Genome position (GRCh38, 1-based): chr4:25,676,696, G>C. VCF-style: chr4-25676696-G-C. GRCh37 (hg19) VCF-style: chr4-25678318-G-C.
Other names: c.2017G>C, p.Ala673Pro (NM_001177998.2, NM_001177999.2); short protein forms A674P, A673P.
Identifiers: ClinVar variation 4981774 (VCV004981774.1).

ClinVar aggregate classification (germline): Uncertain significance (1 of 4 stars; one submission).

Conditions:
SLC34A2-related disorder. Also called: SLC34A2-related condition.

gnomAD v4.1: 18 of 1,614,074 alleles (0.0011%); highest among the groups gnomAD compares: Non-Finnish European, 0.0015%; no homozygotes.

Submission:

PreventionGenetics, part of Exact Sciences
Classification: Uncertain significance for SLC34A2-related condition. Last evaluated: 2024-10-17. Review status: criteria provided, single submitter. Criteria: ACMG Guidelines, 2015. Collection method: clinical testing. Allele origin: germline.
Comment: The SLC34A2 c.2020G>C variant is predicted to result in the amino acid substitution p.Ala674Pro. To our knowledge, this variant has not been reported in the literature. This variant is reported in 0.0044% of alleles in individuals of European (Non-Finnish) descent in gnomAD. At this time, the clinical significance of this variant is uncertain due to the absence of conclusive functional and genetic evidence.